The following is an entry in ClinVar:

NM_007038.5(ADAMTS5):c.1841G>A (p.Arg614His)

Gene: ADAMTS5 (ADAM metallopeptidase with thrombospondin type 1 motif 5; minus strand). Cytogenetic location: 21q21.3.
Variant type: single nucleotide variant.
Coding change: c.1841G>A on transcript NM_007038.5 (MANE Select); coding-DNA position 1841, G replaced by A.
Protein change: p.Arg614His; replaces arginine 614 with histidine.
Molecular consequence: missense variant.
Genome position (GRCh38, 1-based): chr21:26,932,893, C>T on the plus strand (G>A on the coding strand, the complement: ADAMTS5 is on the minus strand). VCF-style: chr21-26932893-C-T. GRCh37 (hg19) VCF-style: chr21-28305212-C-T.
Other names: short protein forms R614H.
Identifiers: ClinVar variation 1181193 (VCV001181193.3), dbSNP rs2830585, ClinGen allele CA9989029.

ClinVar aggregate classification (germline): Benign. Review status: criteria provided, multiple submitters, no conflicts (2 of 4 stars). 2 submissions from 2 submitters: Benign (2). Last evaluated 2020-07-15.

Allele frequency attached by ClinVar (database versions not stated): 1000 Genomes Project 0.09884; 1000 Genomes Project 30x 0.10119; gnomAD 0.12161 and 0.12369; TOPMed 0.12262; gnomAD exomes 0.12463 and 0.14738; ExAC 0.12581; ESP Exome Variant Server 0.13002.
gnomAD v4.1: 233,599 of 1,613,118 alleles (14%); highest among the groups gnomAD compares: Non-Finnish European, 16%; 18,030 homozygotes.

Submissions (2):

GeneDx
Classification: Benign. Last evaluated: 2020-07-15. Review status: criteria provided, single submitter. Criteria: GeneDx Variant Classification Process June 2021. Collection method: clinical testing. Allele origin: germline. Affected: yes.
Comment: This variant is associated with the following publications: (PMID: 22961118)

Breakthrough Genomics
Classification: Benign. Review status: criteria provided, single submitter. Criteria: ACMG Guidelines, 2015. Collection method: not provided. Allele origin: germline. Inheritance: Unknown mechanism. Affected: yes.